The following is an entry in ClinVar:

NM_203447.4(DOCK8):c.53+24215A>T

Gene: DOCK8 (dedicator of cytokinesis 8; plus strand). Cytogenetic location: 9p24.3.
Variant type: single nucleotide variant.
Coding change: c.53+24215A>T on transcript NM_203447.4 (MANE Select); 24215 bases into the intron after coding-DNA position 53, A replaced by T.
Molecular consequence: intron variant.
Genome position (GRCh38, 1-based): chr9:239,244, A>T. VCF-style: chr9-239244-A-T. GRCh37 (hg19) VCF-style: chr9-239244-A-T.
Identifiers: ClinVar variation 4846778 (VCV004846778.1).

ClinVar aggregate classification (germline): Uncertain significance (1 of 4 stars; one submission).

Conditions:
Combined immunodeficiency due to DOCK8 deficiency (HIES2). Also called: HIES autosomal recessive; Hyper-IgE recurrent infection syndrome, autosomal recessive; HYPER-IgE RECURRENT INFECTION SYNDROME 2, AUTOSOMAL RECESSIVE; HYPER-IgE SYNDROME 2, AUTOSOMAL RECESSIVE, WITH RECURRENT INFECTIONS; DOCK8 Deficiency. Identifiers: Orphanet 217390, MedGen C4722305, MONDO:0009478, OMIM 243700.

gnomAD v4.1: 87 of 152,350 alleles (0.057%); highest among the groups gnomAD compares: Non-Finnish European, 0.12%; no homozygotes.

Submission:

Laboratorio de Genetica e Diagnostico Molecular, Hospital Israelita Albert Einstein
Classification: Uncertain significance for Combined immunodeficiency due to DOCK8 deficiency. Last evaluated: 2026-03-13. Review status: criteria provided, single submitter. Criteria: ACMG Guidelines, 2015. Collection method: clinical testing. Allele origin: germline. Affected: yes.
Comment: ACMG classification criteria: BP4 supporting